The following is an entry in ClinVar:

ClinVar aggregate classification (germline): Likely benign (1 of 4 stars; one submission).

Allele frequency attached by ClinVar (database versions not stated): gnomAD exomes below 0.00001; gnomAD 0.00001; TOPMed 0.00001; ExAC 0.00002; 1000 Genomes Project 30x 0.00016; 1000 Genomes Project 0.00020.

Submission:

CeGaT Center for Human Genetics Tuebingen
Classification: Likely benign. Last evaluated: 2023-01-01. Review status: criteria provided, single submitter. Criteria: CeGaT Center For Human Genetics Tuebingen Variant Classification Criteria Version 2. Collection method: clinical testing. Allele origin: germline. Affected: yes. Observed: 1 variant allele.
Comment: GATC: BP4, BP7

NM_176818.3(GATC):c.96C>T (p.Ile32=)

Genes: GATC (glutamyl-tRNA amidotransferase subunit C; plus strand), LOC112163529 (BRD4-independent group 4 enhancer GRCh37_chr12:120883528-120884727; plus strand). Cytogenetic location: 12q24.31.
Variant type: single nucleotide variant.
Coding change: c.96C>T on transcript NM_176818.3 (MANE Select); coding-DNA position 96, C replaced by T.
Protein change: p.Ile32=; no amino-acid change (isoleucine 32 retained).
Molecular consequence: synonymous variant. On other transcripts: non-coding transcript variant (1).
Genome position (GRCh38, 1-based): chr12:120,446,671, C>T. VCF-style: chr12-120446671-C-T. GRCh37 (hg19) VCF-style: chr12-120884474-C-T.
Identifiers: ClinVar variation 2643397 (VCV002643397.24), dbSNP rs547618488, ClinGen allele CA6828247.
Genomic context (GRCh38, chr12:120,446,671, plus strand): 5'-TTCGGAGCGCCGGTGACCCACACTCCCCGCCTCATCCCTCCTCCAGGGCAGTGGCCGGAT[C>T]ACGGCTGCGGTGATCGAGCACCTGGAGCGTCTAGCGCTTGTGGACTTCGGCAGCCGCGAG-3'
Protein context (NP_789788.1, residues 22-42): SKADPQGSGR[Ile32=]TAAVIEHLER